The following is an entry in ClinVar:

NM_004646.4(NPHS1):c.1234G>T (p.Gly412Cys)

Gene: NPHS1 (NPHS1 adhesion molecule, nephrin; minus strand). Cytogenetic location: 19q13.12.
Variant type: single nucleotide variant.
Coding change: c.1234G>T on transcript NM_004646.4 (MANE Select); coding-DNA position 1234, G replaced by T.
Protein change: p.Gly412Cys; replaces glycine 412 with cysteine.
Molecular consequence: missense variant.
Genome position (GRCh38, 1-based): chr19:35,848,334, C>A on the plus strand (G>T on the coding strand, the complement: NPHS1 is on the minus strand). VCF-style: chr19-35848334-C-A. GRCh37 (hg19) VCF-style: chr19-36339236-C-A.
Other names: short protein forms G412C.
Identifiers: ClinVar variation 56432 (VCV000056432.9), dbSNP rs142008044, ClinGen allele CA250109.
Genomic context (GRCh38, chr19:35,848,334, plus strand): 5'-ACTTCTTGAAGGTCTCCTTGGTGAAGGCTTCACTGAAGGCCTCACATGTGAGGGTCAGAC[C>A]GTTGTCCTCCCGCCGCGCCAGGAATGTCAGGTTGGACATGGAGATGTGACCGCCATGCAG-3'
Protein context (NP_004637.1, residues 402-422): LTFLARREDN[Gly412Cys]LTLTCEAFSE

ClinVar aggregate classification (germline): Conflicting classifications of pathogenicity. Review status: criteria provided, conflicting classifications (1 of 4 stars). 4 submissions from 4 submitters: Likely pathogenic (1); Uncertain significance (1). 2 of the submissions do not count toward it. Last evaluated 2025-06-05.

Conditions:
Finnish congenital nephrotic syndrome (NPHS1). Also called: NEPHROTIC SYNDROME, TYPE 1. Identifiers: Orphanet 839, MedGen C0403399, MONDO:0009732, OMIM 256300.

gnomAD v4.1: 1 of 1,614,056 alleles (0.000062%); highest among the groups gnomAD compares: Non-Finnish European, 0.000085%; no homozygotes.

Submissions (4):

Dasa
Classification: Likely pathogenic. Last evaluated: 2025-06-05. Review status: criteria provided, single submitter. Criteria: DASA Assertion Criteria. Collection method: clinical testing. Allele origin: germline.
Comment: NM_004646.4(NPHS1):c.1234G>T (p.Gly412Cys) is a missense variant that results in the substitution of glycine with cysteine. Segregation data support an association with disease in the reported family/families (PMID: 18503012; PMID: 22732337; PMID: 24498843; PMID: 31308072; PMID: 35990031). This variant has been recurrently observed in individuals with NPHS1-related disorders (PMID: 18503012; PMID: 22732337; PMID: 24498843; PMID: 31308072; PMID: 35990031). Also, this variant is rare in population databases. Computational evidence supports a deleterious effect. Based on the currently available evidence, this variant is classified as likely pathogenic.

Labcorp Genetics (formerly Invitae), Labcorp
Classification: Uncertain significance. Last evaluated: 2024-06-30. Review status: criteria provided, single submitter. Criteria: Invitae Variant Classification Sherloc (09022015). Collection method: clinical testing. Allele origin: germline.
Comment: This sequence change replaces glycine, which is neutral and non-polar, with cysteine, which is neutral and slightly polar, at codon 412 of the NPHS1 protein (p.Gly412Cys). This variant is not present in population databases (gnomAD no frequency). This missense change has been observed in individual(s) with NPHS1-related conditions (PMID: 18503012, 22732337, 24498843, 31308072, 35990031). ClinVar contains an entry for this variant (Variation ID: 56432). Advanced modeling of protein sequence and biophysical properties (such as structural, functional, and spatial information, amino acid conservation, physicochemical variation, residue mobility, and thermodynamic stability) performed at Invitae indicates that this missense variant is expected to disrupt NPHS1 protein function with a positive predictive value of 80%. This variant disrupts the p.Gly412 amino acid residue in NPHS1. Other variant(s) that disrupt this residue have been observed in individuals with NPHS1-related conditions (PMID: 25349199), which suggests that this may be a clinically significant amino acid residue. In summary, the available evidence is currently insufficient to determine the role of this variant in disease. Therefore, it has been classified as a Variant of Uncertain Significance.

Counsyl
Classification: Likely pathogenic for Finnish congenital nephrotic syndrome. Last evaluated: 2017-08-10. Review status: no assertion criteria provided. Collection method: clinical testing. Allele origin: unknown. Not counted in ClinVar's aggregate classification.

Juha Muilu Group; Institute for Molecular Medicine Finland (FIMM)
Classification: Likely pathogenic for Finnish congenital nephrotic syndrome. Review status: no assertion criteria provided. Collection method: not provided. Allele origin: unknown. Not counted in ClinVar's aggregate classification.
Comment: FinDis database variant: This variant was not found or characterized by our laboratory, data were collected from public sources: see reference
ClinVar note: Converted during submission from probable-pathogenic to Likely pathogenic.

Literature cited by the submitters: PubMed 18503012 (cited by 3 submitters); PubMed 22732337 (cited by 3 submitters); PubMed 24498843 (cited by 3 submitters); PubMed 31308072 (cited by Dasa and Labcorp Genetics (formerly Invitae), Labcorp); PubMed 35990031 (cited by Dasa and Labcorp Genetics (formerly Invitae), Labcorp); PubMed 25349199 (cited by Labcorp Genetics (formerly Invitae), Labcorp).